The following is an entry in ClinVar:

ClinVar aggregate classification (germline): Uncertain significance. Review status: criteria provided, multiple submitters, no conflicts (2 of 4 stars). 4 submissions from 4 submitters: Uncertain significance (4). Last evaluated 2025-08-02.

Conditions:
Odontochondrodysplasia 1. Identifiers: Orphanet 166272, MedGen C5542277, MONDO:0100325, OMIM 184260.
Achondrogenesis, type IA (ACG1A). Identifiers: Orphanet 932, Orphanet 93299, MedGen C0265273, MONDO:0008701, OMIM 200600.

Allele frequency attached by ClinVar (database versions not stated): TOPMed 0.00017; 1000 Genomes Project 0.00020; ExAC 0.00022; gnomAD exomes 0.00022 and 0.00025; ESP Exome Variant Server 0.00023; gnomAD 0.00024; 1000 Genomes Project 30x 0.00031.
gnomAD v4.1: 395 of 1,614,058 alleles (0.024%); highest among the groups gnomAD compares: Non-Finnish European, 0.032%; 1 homozygote.

Submissions (4):

GeneDx
Classification: Uncertain significance. Last evaluated: 2025-08-02. Review status: criteria provided, single submitter. Criteria: GeneDx Variant Classification Process June 2021. Collection method: clinical testing. Allele origin: germline. Affected: yes.
Comment: In silico analysis supports that this missense variant has a deleterious effect on protein structure/function; Has not been previously published as pathogenic or benign to our knowledge

Labcorp Genetics (formerly Invitae), Labcorp
Classification: Uncertain significance for Achondrogenesis, type IA. Last evaluated: 2024-10-22. Review status: criteria provided, single submitter. Criteria: Invitae Variant Classification Sherloc (09022015). Collection method: clinical testing. Allele origin: germline.
Comment: This sequence change replaces glutamic acid, which is acidic and polar, with glycine, which is neutral and non-polar, at codon 430 of the TRIP11 protein (p.Glu430Gly). This variant is present in population databases (rs142579179, gnomAD 0.05%). This variant has not been reported in the literature in individuals affected with TRIP11-related conditions. ClinVar contains an entry for this variant (Variation ID: 314969). Invitae Evidence Modeling of protein sequence and biophysical properties (such as structural, functional, and spatial information, amino acid conservation, physicochemical variation, residue mobility, and thermodynamic stability) has been performed for this missense variant. However, the output from this modeling did not meet the statistical confidence thresholds required to predict the impact of this variant on TRIP11 protein function. In summary, the available evidence is currently insufficient to determine the role of this variant in disease. Therefore, it has been classified as a Variant of Uncertain Significance.

Fulgent Genetics
Classification: Uncertain significance for Odontochondrodysplasia 1; Achondrogenesis, type IA. Last evaluated: 2022-04-12. Review status: criteria provided, single submitter. Criteria: ACMG Guidelines, 2015. Collection method: clinical testing. Allele origin: unknown.

Illumina Laboratory Services, Illumina
Classification: Uncertain significance for Achondrogenesis, type IA. Last evaluated: 2018-01-13. Review status: criteria provided, single submitter. Criteria: ICSL Variant Classification Criteria 13 December 2019. Collection method: clinical testing. Allele origin: germline.

NM_004239.4(TRIP11):c.1289A>G (p.Glu430Gly)

Gene: TRIP11 (thyroid hormone receptor interactor 11; minus strand). Cytogenetic location: 14q32.12.
Variant type: single nucleotide variant.
Coding change: c.1289A>G on transcript NM_004239.4 (MANE Select); coding-DNA position 1289, A replaced by G.
Protein change: p.Glu430Gly; replaces glutamic acid 430 with glycine.
Molecular consequence: missense variant.
Genome position (GRCh38, 1-based): chr14:92,011,011, T>C on the plus strand (A>G on the coding strand, the complement: TRIP11 is on the minus strand). VCF-style: chr14-92011011-T-C. GRCh37 (hg19) VCF-style: chr14-92477355-T-C.
Other names: c.1286A>G, p.Glu429Gly (NM_001321851.1); short protein forms E430G, E429G.
Identifiers: ClinVar variation 314969 (VCV000314969.13), dbSNP rs142579179, ClinGen allele CA7313968.